The following is an entry in ClinVar:

ClinVar aggregate classification (germline): Uncertain significance (1 of 4 stars; one submission).

Allele frequency attached by ClinVar (database versions not stated): gnomAD exomes 0.00001.
gnomAD v4.1: 7 of 1,599,252 alleles (0.00044%); highest among the groups gnomAD compares: Non-Finnish European, 0.0006%; no homozygotes.

Submission:

Labcorp Genetics (formerly Invitae), Labcorp
Classification: Uncertain significance. Last evaluated: 2024-04-16. Review status: criteria provided, single submitter. Criteria: Invitae Variant Classification Sherloc (09022015). Collection method: clinical testing. Allele origin: germline.
Comment: This sequence change replaces histidine, which is basic and polar, with glutamine, which is neutral and polar, at codon 260 of the PIGB protein (p.His260Gln). This variant is present in population databases (rs781458755, gnomAD 0.0009%). This variant has not been reported in the literature in individuals affected with PIGB-related conditions. ClinVar contains an entry for this variant (Variation ID: 2127054). Advanced modeling of protein sequence and biophysical properties (such as structural, functional, and spatial information, amino acid conservation, physicochemical variation, residue mobility, and thermodynamic stability) performed at Invitae indicates that this missense variant is not expected to disrupt PIGB protein function with a negative predictive value of 80%. In summary, the available evidence is currently insufficient to determine the role of this variant in disease. Therefore, it has been classified as a Variant of Uncertain Significance.

NM_004855.5(PIGB):c.780T>A (p.His260Gln)

Gene: PIGB (phosphatidylinositol glycan anchor biosynthesis class B; plus strand). Cytogenetic location: 15q21.3.
Variant type: single nucleotide variant.
Coding change: c.780T>A on transcript NM_004855.5 (MANE Select); coding-DNA position 780, T replaced by A.
Protein change: p.His260Gln; replaces histidine 260 with glutamine.
Molecular consequence: missense variant.
Genome position (GRCh38, 1-based): chr15:55,333,993, T>A. VCF-style: chr15-55333993-T-A. GRCh37 (hg19) VCF-style: chr15-55626191-T-A.
Other names: short protein forms H260Q.
Identifiers: ClinVar variation 2127054 (VCV002127054.4), dbSNP rs781458755, ClinGen allele CA270782124.
Genomic context (GRCh38, chr15:55,333,993, plus strand): 5'-ACCTTTGCTCTTCAGACATTTCTGTCAAGAACCAAGAAAGCTTGATCTTATTCTACATCA[T>A]TTTTTACCTGTAGGGTAAGTGTGGCAATAATCCATCCATTTATTTTAGTAGCCTACAAAT-3'
Protein context (NP_004846.4, residues 250-270): EPRKLDLILH[His260Gln]FLPVGFVTLS